The following is an entry in ClinVar:

ClinVar aggregate classification (germline): Benign/Likely benign. Review status: criteria provided, multiple submitters, no conflicts (2 of 4 stars). 3 submissions from 3 submitters: Benign (1); Likely benign (2). Last evaluated 2018-06-14.

Conditions:
Lafora disease. Also called: Epilepsy progressive myoclonic 2. Identifiers: Orphanet 501, MedGen C0751783, MONDO:0009697.

Allele frequency attached by ClinVar (database versions not stated): gnomAD exomes 0.00164; gnomAD 0.01436 and 0.01526; TOPMed 0.01615; 1000 Genomes Project 0.01777; 1000 Genomes Project 30x 0.01858.
gnomAD v4.1: 3,612 of 978,994 alleles (0.37%); highest among the groups gnomAD compares: African/African-American, 5%; 85 homozygotes.

Submissions (3):

GeneDx
Classification: Likely benign. Last evaluated: 2018-06-14. Review status: criteria provided, single submitter. Criteria: GeneDx Variant Classification Process June 2021. Collection method: clinical testing. Allele origin: germline. Affected: yes.

Illumina Laboratory Services, Illumina
Classification: Benign for Myoclonic epilepsy of Lafora 1. Last evaluated: 2018-01-12. Review status: criteria provided, single submitter. Criteria: ICSL Variant Classification Criteria 13 December 2019. Collection method: clinical testing. Allele origin: germline.
Comment: This variant was observed in the ICSL laboratory as part of a predisposition screen in an ostensibly healthy population. It had not been previously curated by ICSL or reported in the Human Gene Mutation Database (HGMD: prior to June 1st, 2018), and was therefore a candidate for classification through an automated scoring system. Utilizing variant allele frequency, disease prevalence and penetrance estimates, and inheritance mode, an automated score was calculated to assess if this variant is too frequent to cause the disease. Based on the score and internal cut-off values, a variant classified as benign is not then subjected to further curation. The score for this variant resulted in a classification of benign for this disease.

Breakthrough Genomics
Classification: Likely benign. Review status: criteria provided, single submitter. Criteria: ACMG Guidelines, 2015. Collection method: not provided. Allele origin: germline. Inheritance: Autosomal recessive inheritance. Affected: yes.

NM_198586.3(NHLRC1):c.*85T>A

Gene: NHLRC1 (NHL repeat containing E3 ubiquitin protein ligase 1; minus strand). Cytogenetic location: 6p22.3.
Variant type: single nucleotide variant.
Coding change: c.*85T>A on transcript NM_198586.3 (MANE Select); 85 bases downstream of the stop codon, T replaced by A.
Molecular consequence: 3 prime UTR variant.
Genome position (GRCh38, 1-based): chr6:18,121,334, A>T on the plus strand (T>A on the coding strand, the complement: NHLRC1 is on the minus strand). VCF-style: chr6-18121334-A-T. GRCh37 (hg19) VCF-style: chr6-18121565-A-T.
Identifiers: ClinVar variation 356077 (VCV000356077.9), dbSNP rs73379121, ClinGen allele CA10626311.
Genomic context (GRCh38, chr6:18,121,334, plus strand): 5'-AATAACTGTCCCAAGCTTTGTAAGTCTGCCAGATGGTTTTAATTATCCCTGCCTGGATAG[A>T]TGAGTTTAAGTGACTTATCCAGGGTTAAACAATTCATTAATGGCAGCACTAGTGCTTCTG-3'